The following is an entry in ClinVar:

ClinVar aggregate classification (germline): Uncertain significance (1 of 4 stars; one submission).

gnomAD v4.1: 10 of 1,614,172 alleles (0.00062%); highest among the groups gnomAD compares: African/African-American, 0.0013%; no homozygotes.

Submission:

Labcorp Genetics (formerly Invitae), Labcorp
Classification: Uncertain significance. Last evaluated: 2024-12-16. Review status: criteria provided, single submitter. Criteria: Invitae Variant Classification Sherloc (09022015). Collection method: clinical testing. Allele origin: germline.
Comment: This sequence change replaces proline, which is neutral and non-polar, with leucine, which is neutral and non-polar, at codon 2114 of the ARID1A protein (p.Pro2114Leu). This variant is present in population databases (rs773818181, gnomAD 0.0009%). This variant has not been reported in the literature in individuals affected with ARID1A-related conditions. Invitae Evidence Modeling of protein sequence and biophysical properties (such as structural, functional, and spatial information, amino acid conservation, physicochemical variation, residue mobility, and thermodynamic stability) indicates that this missense variant is expected to disrupt ARID1A protein function with a positive predictive value of 80%. In summary, the available evidence is currently insufficient to determine the role of this variant in disease. Therefore, it has been classified as a Variant of Uncertain Significance.

NM_006015.6(ARID1A):c.6341C>T (p.Pro2114Leu)

Gene: ARID1A (AT-rich interaction domain 1A; plus strand). Cytogenetic location: 1p36.11.
Variant type: single nucleotide variant.
Coding change: c.6341C>T on transcript NM_006015.6 (MANE Select); coding-DNA position 6341, C replaced by T.
Protein change: p.Pro2114Leu; replaces proline 2114 with leucine.
Molecular consequence: missense variant.
Genome position (GRCh38, 1-based): chr1:26,780,239, C>T. VCF-style: chr1-26780239-C-T. GRCh37 (hg19) VCF-style: chr1-27106730-C-T.
Other names: c.5690C>T, p.Pro1897Leu (NM_139135.4); short protein forms P1897L, P2114L.
Identifiers: ClinVar variation 3621289 (VCV003621289.2).